The following is an entry in ClinVar:

NM_025114.4(CEP290):c.328dup (p.Thr110fs)

Gene: CEP290 (centrosomal protein 290; minus strand). Cytogenetic location: 12q21.32.
Variant type: Duplication.
Coding change: c.328dup on transcript NM_025114.4 (MANE Select); coding-DNA position 328, one base duplicated (A; older notation c.328dupA).
Protein change: p.Thr110fs; shifts the reading frame from threonine 110.
Molecular consequence: frameshift variant.
Genome position (GRCh38, 1-based): chr12:88,136,756, T duplicated on the plus strand (A on the coding strand, the reverse complement: CEP290 is on the minus strand). VCF-style (leftmost placement, unchanged base first): chr12-88136755-G-GT. GRCh37 (hg19) VCF-style: chr12-88530532-G-GT.
Other names: short protein forms T110fs.
Identifiers: ClinVar variation 4064300 (VCV004064300.2).

ClinVar aggregate classification (germline): Likely pathogenic (1 of 4 stars; one submission).

Conditions:
Leber congenital amaurosis (LCA). Also called: Leber's amaurosis. Identifiers: Orphanet 65, MedGen C0339527, MeSH D057130, MONDO:0018998.

Submission:

Natera, Inc.
Classification: Likely pathogenic for Leber congenital amaurosis. Last evaluated: 2025-03-17. Review status: criteria provided, single submitter. Criteria: Natera Variant Classification Schema (03/2026). Collection method: clinical testing. Allele origin: germline.
Comment: The c.328dup variant in CEP290 is a frameshift variant predicted to shift the reading frame beginning at codon 110 and leads to a stop codon 6 codons downstream. This variant is expected to result in nonsense mediated decay, truncation, or a dysfunctional protein product. This variant is rare in the general population with a frequency below the threshold expected for the associated phenotype(s). Given the available evidence, this variant is classified as Likely Pathogenic.